The following is an entry in ClinVar:

NM_173598.6(KSR2):c.874C>T (p.Pro292Ser)

Gene: KSR2 (kinase suppressor of ras 2; minus strand). Cytogenetic location: 12q24.23.
Variant type: single nucleotide variant.
Coding change: c.874C>T on transcript NM_173598.6 (MANE Select); coding-DNA position 874, C replaced by T.
Protein change: p.Pro292Ser; replaces proline 292 with serine.
Molecular consequence: missense variant.
Genome position (GRCh38, 1-based): chr12:117,761,123, G>A on the plus strand (C>T on the coding strand, the complement: KSR2 is on the minus strand). VCF-style: chr12-117761123-G-A. GRCh37 (hg19) VCF-style: chr12-118198928-G-A.
Other names: short protein forms P292S.
Identifiers: ClinVar variation 3351998 (VCV003351998.2).
Genomic context (GRCh38, chr12:117,761,123, plus strand): 5'-TGCTCCGATGCAGCGCGGTGAATCCCGGGATCAAGTGTATCAGTTTTCGGGAGGAGGGCG[G>A]TGGGGTCCCCGGGGGCTTCAGCTTGTTCTTCTTCCTCATGGGCGGCGTGCCCGGCGGGGT-3'
Protein context (NP_775869.4, residues 282-302): KNKLKPPGTP[Pro292Ser]PSSRKLIHLI

ClinVar aggregate classification (germline): Uncertain significance. Review status: criteria provided, single submitter (1 of 4 stars). 2 submissions from 2 submitters: Uncertain significance (1). 1 of the submissions does not count toward it. Last evaluated 2025-02-25.

Conditions:
KSR2-related disorder. Also called: KSR2-related condition.

gnomAD v4.1: 1 of 1,613,240 alleles (0.000062%); highest among the groups gnomAD compares: African/African-American, 0.0013%; no homozygotes.

Submissions (2):

Ambry Genetics
Classification: Uncertain significance. Last evaluated: 2025-02-25. Review status: criteria provided, single submitter. Criteria: Ambry Variant Classification Scheme 2023. Collection method: clinical testing. Allele origin: germline.

PreventionGenetics, part of Exact Sciences
Classification: Uncertain significance for KSR2-related condition. Last evaluated: 2024-05-30. Review status: no assertion criteria provided. Collection method: clinical testing. Allele origin: germline. Not counted in ClinVar's aggregate classification.
Comment: The KSR2 c.787C>T variant is predicted to result in the amino acid substitution p.Pro263Ser. To our knowledge, this variant has not been reported in the literature. This variant is reported in 0.0083% of alleles in individuals of African descent in gnomAD. At this time, the clinical significance of this variant is uncertain due to the absence of conclusive functional and genetic evidence.